The following is an entry in ClinVar:

NC_000006.11:g.(?_163148674)_(163148700_?)del

Genes: PACRG (parkin coregulated; plus strand), PRKN (parkin RBR E3 ubiquitin protein ligase; minus strand). Cytogenetic location: 6q26.
Variant type: Deletion.
Identifiers: ClinVar variation 3246174 (VCV003246174.1).

ClinVar aggregate classification (germline): Pathogenic (1 of 4 stars; one submission).

Submission:

Labcorp Genetics (formerly Invitae), Labcorp
Classification: Pathogenic. Last evaluated: 2023-09-25. Review status: criteria provided, single submitter. Criteria: Invitae Variant Classification Sherloc (09022015). Collection method: clinical testing. Allele origin: unknown.
Comment: This variant is a gross deletion of the genomic region encompassing exon(s) 1 of the PRKN gene, which includes the initiator codon. This deletion extends beyond the assayed region for this gene and therefore may encompass additional genes. It is expected to result in an absent or disrupted protein product. Loss-of-function variants in PRKN are known to be pathogenic (PMID: 10072423, 20301651, 22956510). A similar copy number variant has been observed in individual(s) with Parkinson's disease (PMID: 11971093, 19734163, 21993715, 25045378). For these reasons, this variant has been classified as Pathogenic.

Literature cited by the submitters: PubMed 10072423; PubMed 20301651; PubMed 22956510; PubMed 11971093; PubMed 19734163; PubMed 21993715; PubMed 25045378.